The following is an entry in ClinVar:

NM_014363.6(SACS):c.3752T>C (p.Ile1251Thr)

Gene: SACS (sacsin molecular chaperone; minus strand). Cytogenetic location: 13q12.12.
Variant type: single nucleotide variant.
Coding change: c.3752T>C on transcript NM_014363.6 (MANE Select); coding-DNA position 3752, T replaced by C.
Protein change: p.Ile1251Thr; replaces isoleucine 1251 with threonine.
Molecular consequence: missense variant.
Genome position (GRCh38, 1-based): chr13:23,340,124, A>G on the plus strand (T>C on the coding strand, the complement: SACS is on the minus strand). VCF-style: chr13-23340124-A-G. GRCh37 (hg19) VCF-style: chr13-23914263-A-G.
Other names: c.3311T>C, p.Ile1104Thr (NM_001278055.2); short protein forms I1251T, I1104T.
Identifiers: ClinVar variation 282906 (VCV000282906.30), dbSNP rs76872266, ClinGen allele CA6911480.

ClinVar aggregate classification (germline): Conflicting classifications of pathogenicity. Review status: criteria provided, conflicting classifications (1 of 4 stars). 9 submissions from 9 submitters: Uncertain significance (2); Benign (1); Likely benign (4). 2 of the submissions do not count toward it. Last evaluated 2026-01-28.

Conditions:
SACS-related disorder. Also called: SACS-related condition.
Spastic paraplegia. Identifiers: MedGen C0037772, HP:0001258.
Hereditary spastic paraplegia. Also called: Familial spastic paraparesis. Identifiers: Orphanet 685, MedGen C0037773, MONDO:0019064. Disease mechanism: loss of function.
Charlevoix-Saguenay spastic ataxia (SACS). Also called: SPASTIC ATAXIA 6, AUTOSOMAL RECESSIVE; Spastic ataxia of Charlevoix-Saguenay; AUTOSOMAL RECESSIVE SPASTIC ATAXIA OF CHARLEVOIX-SAGUENAY. Identifiers: Orphanet 98, MedGen C1849140, MONDO:0010041, OMIM 270550.

Allele frequency attached by ClinVar (database versions not stated): gnomAD exomes 0.00007 and 0.00059; gnomAD 0.00016 and 0.00019; TOPMed 0.00025; 1000 Genomes Project 30x 0.00047; ExAC 0.00050; 1000 Genomes Project 0.00060.

Submissions (9):

Labcorp Genetics (formerly Invitae), Labcorp
Classification: Likely benign for Spastic paraplegia. Last evaluated: 2026-01-28. Review status: criteria provided, single submitter. Criteria: Invitae Variant Classification Sherloc (09022015). Collection method: clinical testing. Allele origin: germline.

Women's Health and Genetics/Laboratory Corporation of America, LabCorp
Classification: Likely benign. Last evaluated: 2025-04-03. Review status: criteria provided, single submitter. Criteria: LabCorp Variant Classification Summary - May 2015. Collection method: clinical testing. Allele origin: germline.
Comment: Variant summary: SACS c.3752T>C (p.Ile1251Thr) results in a non-conservative amino acid change in the encoded protein sequence. Four of five in-silico tools predict a damaging effect of the variant on protein function. The variant allele was found at a frequency of 0.00059 in 250294 control chromosomes, predominantly at a frequency of 0.0077 within the East Asian subpopulation in the gnomAD database, including 1 homozygotes. The observed variant frequency within East Asian control individuals in the gnomAD database exceeds the estimated maximal expected allele frequency for a pathogenic variant in SACS causing Charlevoix-Saguenay spastic ataxia phenotype. To our knowledge, no occurrence of c.3752T>C in individuals affected with Charlevoix-Saguenay spastic ataxia and no experimental evidence demonstrating its impact on protein function have been reported. ClinVar contains an entry for this variant (Variation ID: 282906). Based on the evidence outlined above, the variant was classified as likely benign.

Genome-Nilou Lab
Classification: Likely benign for Charlevoix-Saguenay spastic ataxia. Last evaluated: 2021-09-05. Review status: criteria provided, single submitter. Criteria: ACMG Guidelines, 2015. Collection method: clinical testing. Allele origin: germline. Affected: no.

Athena Diagnostics
Classification: Benign. Last evaluated: 2018-10-29. Review status: criteria provided, single submitter. Criteria: Athena Diagnostics Criteria. Collection method: clinical testing. Allele origin: germline.

Illumina Laboratory Services, Illumina
Classification: Uncertain significance for Charlevoix-Saguenay spastic ataxia. Last evaluated: 2018-01-13. Review status: criteria provided, single submitter. Criteria: ICSL Variant Classification Criteria 13 December 2019. Collection method: clinical testing. Allele origin: germline.

Genome Diagnostics Laboratory, The Hospital for Sick Children
Classification: Uncertain significance for Hereditary spastic paraplegia. Last evaluated: 2016-12-12. Review status: criteria provided, single submitter. Criteria: ACMG Guidelines, 2015. Collection method: clinical testing. Allele origin: germline. Affected: yes.

Eurofins Ntd Llc (ga)
Classification: Likely benign. Last evaluated: 2015-08-25. Review status: criteria provided, single submitter. Criteria: EGL Classification Definitions 2015. Collection method: clinical testing. Allele origin: germline. Observed: 1 variant allele, 1 heterozygote.

Natera, Inc.
Classification: Likely benign for Charlevoix-Saguenay type spastic ataxia. Last evaluated: 2020-01-06. Review status: no assertion criteria provided. Collection method: clinical testing. Allele origin: germline. Not counted in ClinVar's aggregate classification.

PreventionGenetics, part of Exact Sciences
Classification: Benign for SACS-related condition. Last evaluated: 2019-12-09. Review status: no assertion criteria provided. Collection method: clinical testing. Allele origin: germline. Not counted in ClinVar's aggregate classification.
Comment: This variant is classified as benign based on ACMG/AMP sequence variant interpretation guidelines (Richards et al. 2015 PMID: 25741868, with internal and published modifications).